The following is an entry in ClinVar:

ClinVar aggregate classification (germline): Uncertain significance (1 of 4 stars; one submission).

Conditions:
RYR1-related disorder. Also called: RYR1-related condition; RYR1-related disorders. Identifiers: MedGen CN239331.

Submission:

Labcorp Genetics (formerly Invitae), Labcorp
Classification: Uncertain significance for RYR1-related disorder. Last evaluated: 2025-07-23. Review status: criteria provided, single submitter. Criteria: Invitae Variant Classification Sherloc (09022015). Collection method: clinical testing. Allele origin: germline.
Comment: This sequence change replaces proline, which is neutral and non-polar, with leucine, which is neutral and non-polar, at codon 1141 of the RYR1 protein (p.Pro1141Leu). This variant is present in population databases (rs760789945, gnomAD 0.006%). This variant has not been reported in the literature in individuals affected with RYR1-related conditions. Invitae Evidence Modeling of protein sequence and biophysical properties (such as structural, functional, and spatial information, amino acid conservation, physicochemical variation, residue mobility, and thermodynamic stability) indicates that this missense variant is not expected to disrupt RYR1 protein function with a negative predictive value of 95%. In summary, the available evidence is currently insufficient to determine the role of this variant in disease. Therefore, it has been classified as a Variant of Uncertain Significance.

NM_000540.3(RYR1):c.3422C>T (p.Pro1141Leu)

Gene: RYR1 (ryanodine receptor 1; plus strand). Cytogenetic location: 19q13.2.
Variant type: single nucleotide variant.
Coding change: c.3422C>T on transcript NM_000540.3 (MANE Select); coding-DNA position 3422, C replaced by T.
Protein change: p.Pro1141Leu; replaces proline 1141 with leucine.
Molecular consequence: missense variant.
Genome position (GRCh38, 1-based): chr19:38,469,006, C>T. VCF-style: chr19-38469006-C-T. GRCh37 (hg19) VCF-style: chr19-38959646-C-T.
Other names: c.3422C>T, p.Pro1141Leu (NM_001042723.2); short protein forms P1141L.
Identifiers: ClinVar variation 4802116 (VCV004802116.1).